The following is an entry in ClinVar:

ClinVar aggregate classification (germline): Likely pathogenic (1 of 4 stars; one submission).

Submission:

Labcorp Genetics (formerly Invitae), Labcorp
Classification: Likely pathogenic. Last evaluated: 2020-07-23. Review status: criteria provided, single submitter. Criteria: Invitae Variant Classification Sherloc (09022015). Collection method: clinical testing. Allele origin: germline.
Comment: In summary, the currently available evidence indicates that the variant is pathogenic, but additional data are needed to prove that conclusively. Therefore, this variant has been classified as Likely Pathogenic. Loss-of-function variants in SEPSECS are known to be pathogenic (PMID: 25558065, 25590979, 26115735). Algorithms developed to predict the effect of sequence changes on RNA splicing suggest that this variant may disrupt the consensus splice site, but this prediction has not been confirmed by published transcriptional studies. This variant has not been reported in the literature in individuals with SEPSECS-related conditions. This variant is not present in population databases (ExAC no frequency). This variant results in the deletion of part of exon 6 (c.702-3_705del) of the SEPSECS gene. It is expected to disrupt RNA splicing and likely results in an absent or disrupted protein product.

Literature cited by the submitters: PubMed 25558065; PubMed 25590979; PubMed 26115735.

NM_016955.4(SEPSECS):c.702-3_705del

Gene: SEPSECS (Sep (O-phosphoserine) tRNA:Sec (selenocysteine) tRNA synthase; minus strand). Cytogenetic location: 4p15.2.
Variant type: Deletion.
Coding change: c.702-3_705del on transcript NM_016955.4 (MANE Select); 3 bases into the intron before coding-DNA position 702 through coding-DNA position 705, 7 bases deleted (TAGATTA; older notation c.702-3_705delTAGATTA).
Molecular consequence: splice acceptor variant.
Genome position (GRCh38, 1-based): chr4:25,152,059-25,152,065, TAATCTA deleted on the plus strand (TAGATTA on the coding strand, the reverse complement: SEPSECS is on the minus strand); deleting any 7 consecutive bases within chr4:25,152,059-25,152,068 gives the same sequence; the c. name uses the placement nearest the transcript's 3' end. VCF-style (leftmost placement, unchanged base first): chr4-25152058-CTAATCTA-C. GRCh37 (hg19) VCF-style: chr4-25153680-CTAATCTA-C.
Identifiers: ClinVar variation 1066960 (VCV001066960.7), dbSNP rs2109029105, ClinGen allele CA2499217193.